The following is an entry in ClinVar:

ClinVar aggregate classification (germline): Uncertain significance (1 of 4 stars; one submission).

Conditions:
Hereditary nonpolyposis colorectal neoplasms. Identifiers: MedGen C0009405, MeSH D003123.

Submission:

Labcorp Genetics (formerly Invitae), Labcorp
Classification: Uncertain significance for Hereditary nonpolyposis colorectal neoplasms. Last evaluated: 2018-09-19. Review status: criteria provided, single submitter. Criteria: Invitae Variant Classification Sherloc (09022015). Collection method: clinical testing. Allele origin: germline.
Comment: In summary, the available evidence is currently insufficient to determine the role of this variant in disease. Therefore, it has been classified as a Variant of Uncertain Significance. Algorithms developed to predict the effect of missense changes on protein structure and function are either unavailable or do not agree on the potential impact of this missense change (SIFT: "Deleterious"; PolyPhen-2: "Possibly Damaging"; Align-GVGD: "Class C0"). This variant has not been reported in the literature in individuals with MSH6-related disease. This variant is not present in population databases (ExAC no frequency). This sequence change replaces lysine with threonine at codon 301 of the MSH6 protein (p.Lys301Thr). The lysine residue is highly conserved and there is a moderate physicochemical difference between lysine and threonine.

NM_000179.3(MSH6):c.902A>C (p.Lys301Thr)

Gene: MSH6 (mutS homolog 6; plus strand). Cytogenetic location: 2p16.3.
Variant type: single nucleotide variant.
Coding change: c.902A>C on transcript NM_000179.3 (MANE Select); coding-DNA position 902, A replaced by C.
Protein change: p.Lys301Thr; replaces lysine 301 with threonine.
Molecular consequence: missense variant. On other transcripts: 5 prime UTR variant (2).
Genome position (GRCh38, 1-based): chr2:47,798,885, A>C. VCF-style: chr2-47798885-A-C. GRCh37 (hg19) VCF-style: chr2-48026024-A-C.
Other names: c.512A>C, p.Lys171Thr (NM_001281492.2); c.-5A>C (NM_001281493.2, NM_001281494.2); short protein forms K171T, K301T.
Identifiers: ClinVar variation 646743 (VCV000646743.9), dbSNP rs1572720800, ClinGen allele CA346740702.